The following is an entry in ClinVar:

NM_133459.4(CCBE1):c.3G>A (p.Met1Ile)

Gene: CCBE1 (collagen and calcium binding EGF domains 1; minus strand). Cytogenetic location: 18q21.32.
Variant type: single nucleotide variant.
Coding change: c.3G>A on transcript NM_133459.4 (MANE Select); coding-DNA position 3, G replaced by A.
Protein change: p.Met1Ile; changes the start codon (methionine 1).
Molecular consequence: missense variant, initiator codon variant.
Genome position (GRCh38, 1-based): chr18:59,697,340, C>T on the plus strand (G>A on the coding strand, the complement: CCBE1 is on the minus strand). VCF-style: chr18-59697340-C-T. GRCh37 (hg19) VCF-style: chr18-57364572-C-T.
Other names: short protein forms M1I.
Identifiers: ClinVar variation 4780331 (VCV004780331.1).
Genomic context (GRCh38, chr18:59,697,340, plus strand): 5'-ACCCAGGCTCCTGCCCAGCTGGCCCCTGGCAGCTCCTCCCCGGCTCGGAGGCGGCGGCAC[C>T]ATCAGGGAAGCTCCCGGCTTCTTCCCAGCGCCGAGCTCCGTCCGGACCAAGCGTCCTGCT-3'
Protein context (NP_597716.1, residues 1-11): [Met1Ile]VPPPPSRGGA

ClinVar aggregate classification (germline): Pathogenic (1 of 4 stars; one submission).

Submission:

Labcorp Genetics (formerly Invitae), Labcorp
Classification: Pathogenic. Last evaluated: 2025-11-18. Review status: criteria provided, single submitter. Criteria: Invitae Variant Classification Sherloc (09022015). Collection method: clinical testing. Allele origin: germline.
Comment: This sequence change affects the initiator codon of the CCBE1 mRNA. This change may impact translation initiation or efficiency. The next in-frame methionine is located at codon 192. This variant is not present in population databases (gnomAD no frequency). This variant has not been reported in the literature in individuals affected with CCBE1-related conditions. This variant disrupts a region of the CCBE1 protein in which other variant(s) (p.Arg158Cys) have been determined to be pathogenic (PMID: 19935664, 32472549, 32629717). This suggests that this is a clinically significant region of the protein, and that variants that disrupt it are likely to be disease-causing. For these reasons, this variant has been classified as Pathogenic.

Literature cited by the submitters: PubMed 19935664; PubMed 32472549; PubMed 32629717.